The following is an entry in ClinVar:

ClinVar aggregate classification (germline): Benign (1 of 4 stars; one submission).

Conditions:
Brachydactyly. Also called: Brachydactyly (disease); Brachydactyly syndrome. Identifiers: MedGen C0221357, MONDO:0021004, HP:0001156.

Allele frequency attached by ClinVar (database versions not stated): gnomAD 0.00148 and 0.00160; 1000 Genomes Project 30x 0.00156; TOPMed 0.00166; 1000 Genomes Project 0.00180.

Submission:

Illumina Laboratory Services, Illumina
Classification: Benign for Brachydactyly. Last evaluated: 2018-01-13. Review status: criteria provided, single submitter. Criteria: ICSL Variant Classification Criteria 13 December 2019. Collection method: clinical testing. Allele origin: germline.
Comment: This variant was observed in the ICSL laboratory as part of a predisposition screen in an ostensibly healthy population. It had not been previously curated by ICSL or reported in the Human Gene Mutation Database (HGMD: prior to June 1st, 2018), and was therefore a candidate for classification through an automated scoring system. Utilizing variant allele frequency, disease prevalence and penetrance estimates, and inheritance mode, an automated score was calculated to assess if this variant is too frequent to cause the disease. Based on the score and internal cut-off values, a variant classified as benign is not then subjected to further curation. The score for this variant resulted in a classification of benign for this disease.

NM_001203.3(BMPR1B):c.*1203A>G

Gene: BMPR1B (bone morphogenetic protein receptor type 1B; plus strand). Cytogenetic location: 4q22.3.
Variant type: single nucleotide variant.
Coding change: c.*1203A>G on transcript NM_001203.3 (MANE Select); 1203 bases downstream of the stop codon, A replaced by G.
Molecular consequence: 3 prime UTR variant.
Genome position (GRCh38, 1-based): chr4:95,155,876, A>G. VCF-style: chr4-95155876-A-G. GRCh37 (hg19) VCF-style: chr4-96077027-A-G.
Other names: c.*1203A>G (NM_001256792.2, NM_001256793.2, NM_001256794.1).
Identifiers: ClinVar variation 905143 (VCV000905143.4), dbSNP rs577303456, ClinGen allele CA101682751.
Genomic context (GRCh38, chr4:95,155,876, plus strand): 5'-GGGATAGAGAGGAAACATCCGTCAGGCTAATTTAACTACATTTTATTTTAAAAATAGAGA[A>G]ACATAACCTCTAGATGGGACAGCAGAGGACAGTTAGTAGAGGCCACAAACTGTTATGGGC-3'